The following is an entry in ClinVar:

NM_001102401.4(TTI2):c.569G>T (p.Gly190Val)

Gene: TTI2 (TELO2 interacting protein 2; minus strand). Cytogenetic location: 8p12.
Variant type: single nucleotide variant.
Coding change: c.569G>T on transcript NM_001102401.4 (MANE Select); coding-DNA position 569, G replaced by T.
Protein change: p.Gly190Val; replaces glycine 190 with valine.
Molecular consequence: missense variant.
Genome position (GRCh38, 1-based): chr8:33,512,045, C>A on the plus strand (G>T on the coding strand, the complement: TTI2 is on the minus strand). VCF-style: chr8-33512045-C-A. GRCh37 (hg19) VCF-style: chr8-33369563-C-A.
Other names: c.569G>T, p.Gly190Val (NM_001265581.2, NM_001330505.3, NM_025115.5); c.569G>T (NM_001102401.2); short protein forms G190V.
Identifiers: ClinVar variation 2282008 (VCV002282008.3), dbSNP rs774668351, ClinGen allele CA4707321.

ClinVar aggregate classification (germline): Uncertain significance. Review status: criteria provided, multiple submitters, no conflicts (2 of 4 stars). 2 submissions from 2 submitters: Uncertain significance (2). Last evaluated 2023-04-27.

Conditions:
Inborn genetic diseases. Identifiers: MedGen C0950123, MeSH D030342.

Allele frequency attached by ClinVar (database versions not stated): ExAC 0.00001; gnomAD 0.00001; TOPMed 0.00002.
gnomAD v4.1: 19 of 1,614,068 alleles (0.0012%); highest among the groups gnomAD compares: Admixed American, 0.005%; no homozygotes.

Submissions (2):

GeneDx
Classification: Uncertain significance. Last evaluated: 2023-04-27. Review status: criteria provided, single submitter. Criteria: GeneDx Variant Classification Process June 2021. Collection method: clinical testing. Allele origin: germline. Affected: yes.
Comment: Not observed at significant frequency in large population cohorts (gnomAD); In silico analysis supports that this missense variant does not alter protein structure/function; Has not been previously published as pathogenic or benign to our knowledge

Ambry Genetics
Classification: Uncertain significance for Inborn genetic diseases. Last evaluated: 2022-04-07. Review status: criteria provided, single submitter. Criteria: Ambry Variant Classification Scheme 2023. Collection method: clinical testing. Allele origin: germline.